The following is an entry in ClinVar:

NM_000535.7(PMS2):c.94G>T (p.Val32Leu)

Gene: PMS2 (PMS1 homolog 2, mismatch repair system component; minus strand). Cytogenetic location: 7p22.1.
Variant type: single nucleotide variant.
Coding change: c.94G>T on transcript NM_000535.7 (MANE Select); coding-DNA position 94, G replaced by T.
Protein change: p.Val32Leu; replaces valine 32 with leucine.
Molecular consequence: missense variant. On other transcripts: 5 prime UTR variant (8), non-coding transcript variant (1), intron variant (3).
Genome position (GRCh38, 1-based): chr7:6,005,961, C>A on the plus strand (G>T on the coding strand, the complement: PMS2 is on the minus strand). VCF-style: chr7-6005961-C-A. GRCh37 (hg19) VCF-style: chr7-6045592-C-A.
Other names: c.-312G>T (NM_001322003.2, NM_001322005.2, NM_001322009.2 and 1 more transcripts); c.94G>T, p.Val32Leu (NM_001322006.2, NM_001322014.2); c.-122G>T (NM_001322007.2); c.-791G>T (NM_001322011.2, NM_001322012.2); c.-391G>T (NM_001322015.2); c.-52-1903G>T (NM_001322008.2); c.-242-1903G>T (NM_001322010.2, NM_001322004.2); short protein forms V32L.
Identifiers: ClinVar variation 411049 (VCV000411049.24), dbSNP rs977251189, ClinGen allele CA16612292.

ClinVar aggregate classification (germline): Conflicting classifications of pathogenicity. Review status: criteria provided, conflicting classifications (1 of 4 stars). 7 submissions from 7 submitters: Uncertain significance (4); Likely benign (1). 2 of the submissions do not count toward it. Last evaluated 2026-02-03.

Conditions:
PMS2-related disorder. Also called: PMS2-related condition.
Hereditary cancer-predisposing syndrome. Also called: Hereditary neoplastic syndrome; Hereditary Cancer Syndrome; Tumor predisposition; Neoplastic Syndromes, Hereditary. Identifiers: Orphanet 140162, MedGen C0027672, MeSH D009386, MONDO:0015356.
Hereditary nonpolyposis colorectal neoplasms. Identifiers: MedGen C0009405, MeSH D003123.
Lynch syndrome 4 (LYNCH4). Also called: Hereditary non-polyposis colorectal cancer, type 4; Colorectal cancer, hereditary nonpolyposis, type 4. Identifiers: Orphanet 144, MedGen C1838333, MONDO:0013699, OMIM 614337. Disease mechanism: loss of function.
Carcinoma of colon (CRC). Also called: Colon carcinoma; Colonic carcinoma. Identifiers: MedGen C0699790, MONDO:0002032.

Allele frequency attached by ClinVar (database versions not stated): TOPMed below 0.00001; gnomAD 0.00001.

Submissions (7):

Labcorp Genetics (formerly Invitae), Labcorp
Classification: Likely benign for Hereditary nonpolyposis colorectal neoplasms. Last evaluated: 2026-02-03. Review status: criteria provided, single submitter. Criteria: Invitae Variant Classification Sherloc (09022015). Collection method: clinical testing. Allele origin: germline.

Ambry Genetics
Classification: Uncertain significance for Hereditary cancer-predisposing syndrome. Last evaluated: 2024-07-15. Review status: criteria provided, single submitter. Criteria: Ambry Variant Classification Scheme 2023. Collection method: clinical testing. Allele origin: germline.

Baylor Genetics
Classification: Uncertain significance for Lynch syndrome 4. Last evaluated: 2024-02-07. Review status: criteria provided, single submitter. Criteria: ACMG Guidelines, 2015. Collection method: clinical testing. Allele origin: unknown.

Color Diagnostics, LLC DBA Color Health
Classification: Uncertain significance for Hereditary cancer-predisposing syndrome. Last evaluated: 2023-11-13. Review status: criteria provided, single submitter. Criteria: ACMG Guidelines, 2015. Collection method: clinical testing. Allele origin: germline.
Comment: This missense variant replaces valine with leucine at codon 32 of the PMS2 protein. Computational prediction is inconclusive regarding the impact of this variant on protein structure and function (internally defined REVEL score threshold 0.5 < inconclusive < 0.7, PMID: 27666373). To our knowledge, functional studies have not been reported for this variant. This variant has not been reported in individuals affected with PMS2-related disorders in the literature. This variant has not been identified in the general population by the Genome Aggregation Database (gnomAD). The available evidence is insufficient to determine the role of this variant in disease conclusively. Therefore, this variant is classified as a Variant of Uncertain Significance.

GeneDx
Classification: Uncertain significance. Last evaluated: 2018-06-01. Review status: criteria provided, single submitter. Criteria: GeneDx Variant Classification (06012015). Collection method: clinical testing. Allele origin: germline. Affected: yes.
Comment: This variant is denoted PMS2 c.94G>T at the cDNA level, p.Val32Leu (V32L) at the protein level, and results in the change of a Valine to a Leucine (GTA>TTA). This variant has not, to our knowledge, been published in the literature as a pathogenic or benign germline variant. PMS2 Val32Leu was not observed in large population cohorts (Lek 2016). This variant is located in the ATPase domain (Guarne 2001, Fukui 2011). In silico analysis, which includes protein predictors and evolutionary conservation, supports that this variant does not alter protein structure/function. Based on currently available evidence, it is unclear whether PMS2 Val32Leu is a pathogenic or benign variant. We consider it to be a variant of uncertain significance.

PreventionGenetics, part of Exact Sciences
Classification: Uncertain significance for PMS2-related condition. Last evaluated: 2024-05-29. Review status: no assertion criteria provided. Collection method: clinical testing. Allele origin: germline. Not counted in ClinVar's aggregate classification.
Comment: The PMS2 c.94G>T variant is predicted to result in the amino acid substitution p.Val32Leu. To our knowledge, this variant has not been reported in the literature or in a large population database, indicating this variant is rare. At this time, the clinical significance of this variant is uncertain due to the absence of conclusive functional and genetic evidence.

Department of Pathology and Laboratory Medicine, Sinai Health System
Classification: Uncertain significance for Carcinoma of colon. Review status: no assertion criteria provided. Collection method: clinical testing. Allele origin: unknown. Affected: yes. Study: The Canadian Open Genetics Repository (COGR). Not counted in ClinVar's aggregate classification.
Comment: The PMS2 p.Val32Leu variant was not identified in the literature. The variant was identified in dbSNP (ID: rs977251189) as "With Uncertain significance allele", and in ClinVar (classified as uncertain significance by Invitae, GeneDx, Ambry Genetics, and Color). The variant was not identified in the following databases: the Exome Aggregation Consortium (August 8th 2016), or the Genome Aggregation Database (Feb 27, 2017). The p.Val32 residue is conserved in mammals and computational analyses (PolyPhen-2, SIFT, AlignGVGD, BLOSUM, MutationTaster) provide inconsistent predictions regarding the impact to the protein. The variant occurs outside of the splicing consensus sequence and 1 of 4 in silico or computational prediction software programs (SpliceSiteFinder, MaxEntScan, NNSPLICE, GeneSplicer) predict a greater than 10% difference in splicing; this is not very predictive of pathogenicity. In summary, based on the above information the clinical significance of this variant cannot be determined with certainty at this time. This variant is classified as a variant of uncertain significance.